The following is an entry in ClinVar:

NM_000540.3(RYR1):c.982_983del (p.Arg328fs)

Gene: RYR1 (ryanodine receptor 1; plus strand). Cytogenetic location: 19q13.2.
Variant type: Deletion.
Coding change: c.982_983del on transcript NM_000540.3 (MANE Select); coding-DNA positions 982 to 983, 2 bases deleted (CG; older notation c.982_983delCG).
Protein change: p.Arg328fs; shifts the reading frame from arginine 328.
Molecular consequence: frameshift variant.
Genome position (GRCh38, 1-based): chr19:38,448,673-38,448,674, CG deleted; deleting any 2 consecutive bases within chr19:38,448,672-38,448,674 gives the same sequence; the c. name uses the placement nearest the transcript's 3' end. VCF-style (leftmost placement, unchanged base first): chr19-38448671-AGC-A. GRCh37 (hg19) VCF-style: chr19-38939311-AGC-A.
Other names: c.982_983del, p.Arg328fs (NM_001042723.2); short protein forms R328fs.
Identifiers: ClinVar variation 965890 (VCV000965890.7), dbSNP rs776235139, ClinGen allele CA074189.
Genomic context (GRCh38, chr19:38,448,671, plus strand): 5'-AGGCAGAGGAGGCTGACCTGTGTCCCCTGCCCCTGTAGGAGAAGCTGGATGTGGCCCCCA[AGC>A]GGGATGTGGAGGGCATGGGCCCCCCTGAGATCAAGTACGGGGAGTCACTGTGCTTCGTGC-3'

ClinVar aggregate classification (germline): Pathogenic (1 of 4 stars; one submission).

Conditions:
RYR1-related disorder. Also called: RYR1-related disorders; RYR1-related condition. Identifiers: MedGen CN239331.

Submission:

Labcorp Genetics (formerly Invitae), Labcorp
Classification: Pathogenic for RYR1-related disorder. Last evaluated: 2022-01-26. Review status: criteria provided, single submitter. Criteria: Invitae Variant Classification Sherloc (09022015). Collection method: clinical testing. Allele origin: germline.
Comment: This sequence change creates a premature translational stop signal (p.Arg328Glyfs*9) in the RYR1 gene. It is expected to result in an absent or disrupted protein product. Loss-of-function variants in RYR1 are known to be pathogenic (PMID: 20583297, 20839240, 23919265, 28818389). This variant is present in population databases (rs776235139, gnomAD 0.0009%). This variant has not been reported in the literature in individuals affected with RYR1-related conditions. ClinVar contains an entry for this variant (Variation ID: 965890). Algorithms developed to predict the effect of sequence changes on RNA splicing suggest that this variant may create or strengthen a splice site. For these reasons, this variant has been classified as Pathogenic.

Literature cited by the submitters: PubMed 20583297; PubMed 20839240; PubMed 23919265; PubMed 28818389.